The following is an entry in ClinVar:

NM_001382567.1(STIM1):c.1299C>G (p.Ile433Met)

Gene: STIM1 (stromal interaction molecule 1; plus strand). Cytogenetic location: 11p15.4.
Variant type: single nucleotide variant.
Coding change: c.1299C>G on transcript NM_001382567.1 (MANE Select); coding-DNA position 1299, C replaced by G.
Protein change: p.Ile433Met; replaces isoleucine 433 with methionine.
Molecular consequence: missense variant. On other transcripts: non-coding transcript variant (2).
Genome position (GRCh38, 1-based): chr11:4,083,323, C>G. VCF-style: chr11-4083323-C-G. GRCh37 (hg19) VCF-style: chr11-4104553-C-G.
Other names: c.1299C>G, p.Ile433Met (NM_001277961.3, NM_001277962.2, NM_003156.4); c.1077C>G, p.Ile359Met (NM_001382566.1, NM_001382573.1, NM_001382575.1 and 4 more transcripts); c.1320C>G, p.Ile440Met (NM_001382568.1); c.1164C>G, p.Ile388Met (NM_001382569.1); c.1071C>G, p.Ile357Met (NM_001382570.1); c.819C>G, p.Ile273Met (NM_001382571.1); c.810C>G, p.Ile270Met (NM_001382580.1, NM_001382581.1); short protein forms I270M, I273M, I357M, I359M, I388M, I433M, I440M.
Identifiers: ClinVar variation 1310273 (VCV001310273.2), dbSNP rs200738706, ClinGen allele CA379194159.

ClinVar aggregate classification (germline): Uncertain significance (1 of 4 stars; one submission).

Submission:

GeneDx
Classification: Uncertain significance. Last evaluated: 2019-11-26. Review status: criteria provided, single submitter. Criteria: GeneDx Variant Classification Process June 2021. Collection method: clinical testing. Allele origin: germline. Affected: yes.
Comment: In silico analysis, which includes protein predictors and evolutionary conservation, supports a deleterious effect; Not observed in large population cohorts (Lek et al., 2016); Has not been previously published as pathogenic or benign to our knowledge